The following is an entry in ClinVar:

ClinVar aggregate classification (germline): Conflicting classifications of pathogenicity. Review status: criteria provided, conflicting classifications (1 of 4 stars). 2 submissions from 2 submitters: Uncertain significance (1); Likely benign (1). Last evaluated 2026-01-17.

Allele frequency attached by ClinVar (database versions not stated): gnomAD 0.00001; gnomAD exomes below 0.00001.
gnomAD v4.1: 3 of 1,613,518 alleles (0.00019%); highest among the groups gnomAD compares: African/African-American, 0.0013%; no homozygotes.

Submissions (2):

Labcorp Genetics (formerly Invitae), Labcorp
Classification: Likely benign. Last evaluated: 2026-01-17. Review status: criteria provided, single submitter. Criteria: Invitae Variant Classification Sherloc (09022015). Collection method: clinical testing. Allele origin: germline.

GeneDx
Classification: Uncertain significance. Last evaluated: 2022-02-17. Review status: criteria provided, single submitter. Criteria: GeneDx Variant Classification Process June 2021. Collection method: clinical testing. Allele origin: germline. Affected: yes.
Comment: Has not been previously published as pathogenic or benign to our knowledge; Not observed at significant frequency in large population cohorts (gnomAD); In silico analysis supports that this missense variant has a deleterious effect on protein structure/function; Not located in the triple helical region, where the majority of pathogenic missense variants occur (Stenson et al., 2014; Acke et al., 2014)

NM_001854.4(COL11A1):c.191G>A (p.Arg64Lys)

Gene: COL11A1 (collagen type XI alpha 1 chain; minus strand). Cytogenetic location: 1p21.1.
Variant type: single nucleotide variant.
Coding change: c.191G>A on transcript NM_001854.4 (MANE Select); coding-DNA position 191, G replaced by A.
Protein change: p.Arg64Lys; replaces arginine 64 with lysine.
Molecular consequence: missense variant. On other transcripts: non-coding transcript variant (1).
Genome position (GRCh38, 1-based): chr1:103,082,888, C>T on the plus strand (G>A on the coding strand, the complement: COL11A1 is on the minus strand). VCF-style: chr1-103082888-C-T. GRCh37 (hg19) VCF-style: chr1-103548444-C-T.
Other names: c.191G>A, p.Arg64Lys (NM_001190709.2, NM_080629.3, NM_080630.4); short protein forms R64K.
Identifiers: ClinVar variation 1702674 (VCV001702674.7), dbSNP rs1272896075, ClinGen allele CA341168691.